The following is an entry in ClinVar:

NM_004995.4(MMP14):c.269G>A (p.Arg90His)

Gene: MMP14 (matrix metallopeptidase 14; plus strand). Cytogenetic location: 14q11.2.
Variant type: single nucleotide variant.
Coding change: c.269G>A on transcript NM_004995.4 (MANE Select); coding-DNA position 269, G replaced by A.
Protein change: p.Arg90His; replaces arginine 90 with histidine.
Molecular consequence: missense variant.
Genome position (GRCh38, 1-based): chr14:22,841,924, G>A. VCF-style: chr14-22841924-G-A. GRCh37 (hg19) VCF-style: chr14-23311133-G-A.
Other names: short protein forms R90H.
Identifiers: ClinVar variation 1378978 (VCV001378978.6), dbSNP rs778695115, ClinGen allele CA7105136.

ClinVar aggregate classification (germline): Uncertain significance (1 of 4 stars; one submission).

Allele frequency attached by ClinVar (database versions not stated): gnomAD 0.00001 and 0.00003; TOPMed 0.00002; ExAC 0.00003; gnomAD exomes 0.00008.
gnomAD v4.1: 66 of 1,614,054 alleles (0.0041%); highest among the groups gnomAD compares: South Asian, 0.03%; no homozygotes.

Submission:

Labcorp Genetics (formerly Invitae), Labcorp
Classification: Uncertain significance. Last evaluated: 2025-02-24. Review status: criteria provided, single submitter. Criteria: Invitae Variant Classification Sherloc (09022015). Collection method: clinical testing. Allele origin: germline.
Comment: This sequence change replaces arginine, which is basic and polar, with histidine, which is basic and polar, at codon 90 of the MMP14 protein (p.Arg90His). This variant is present in population databases (rs778695115, gnomAD 0.03%). This variant has not been reported in the literature in individuals affected with MMP14-related conditions. ClinVar contains an entry for this variant (Variation ID: 1378978). Invitae Evidence Modeling of protein sequence and biophysical properties (such as structural, functional, and spatial information, amino acid conservation, physicochemical variation, residue mobility, and thermodynamic stability) indicates that this missense variant is expected to disrupt MMP14 protein function with a positive predictive value of 80%. In summary, the available evidence is currently insufficient to determine the role of this variant in disease. Therefore, it has been classified as a Variant of Uncertain Significance.